The following is an entry in ClinVar:

ClinVar aggregate classification (germline): Uncertain significance. Review status: criteria provided, multiple submitters, no conflicts (2 of 4 stars). 4 submissions from 4 submitters: Uncertain significance (4). Last evaluated 2025-06-29.

Conditions:
Drash syndrome (DDS). Also called: WILMS TUMOR AND PSEUDO- OR TRUE HERMAPHRODITISM; NEPHROPATHY, WILMS TUMOR, AND GENITAL ANOMALIES. Identifiers: Orphanet 220, MedGen C0950121, MONDO:0008682, OMIM 194080.
Frasier syndrome. Identifiers: Orphanet 347, MedGen C0950122, MeSH D052159, MONDO:0007635, OMIM 136680.
Wilms tumor 1 (WT1). Also called: Wilms tumor, somatic. Identifiers: Orphanet 654, MedGen CN033288, MONDO:0008679, OMIM 194070.
11p partial monosomy syndrome (WAGR). Also called: WAGR Complex; CHROMOSOME 11p13 DELETION SYNDROME; WAGR syndrome; WAGR Spectrum Disorder. Identifiers: Orphanet 893, MedGen C0206115, MONDO:0008681, OMIM 194072.
Inborn genetic diseases. Identifiers: MedGen C0950123, MeSH D030342.

Allele frequency attached by ClinVar (database versions not stated): TOPMed 0.00003.

Submissions (4):

GeneDx
Classification: Uncertain significance. Last evaluated: 2025-06-29. Review status: criteria provided, single submitter. Criteria: GeneDx Variant Classification Process June 2021. Collection method: clinical testing. Allele origin: germline. Affected: yes.
Comment: Not observed at significant frequency in large population cohorts (gnomAD); In silico analysis supports that this missense variant has a deleterious effect on protein structure/function; Has not been previously published as pathogenic or benign to our knowledge; This variant is associated with the following publications: (PMID: 8486616)

Ambry Genetics
Classification: Uncertain significance for Inborn genetic diseases. Last evaluated: 2025-04-23. Review status: criteria provided, single submitter. Criteria: Ambry Variant Classification Scheme 2023. Collection method: clinical testing. Allele origin: germline.
Comment: The p.P151S variant (also known as c.451C>T), located in coding exon 1 of the WT1 gene, results from a C to T substitution at nucleotide position 451. The proline at codon 151 is replaced by serine, an amino acid with similar properties. This amino acid position is highly conserved in available vertebrate species. In addition, this alteration is predicted to be tolerated by in silico analysis. Based on the available evidence, the clinical significance of this variant remains unclear.

Baylor Genetics
Classification: Uncertain significance for Drash syndrome. Last evaluated: 2023-12-18. Review status: criteria provided, single submitter. Criteria: ACMG Guidelines, 2015. Collection method: clinical testing. Allele origin: unknown.

Labcorp Genetics (formerly Invitae), Labcorp
Classification: Uncertain significance for Wilms tumor 1; Drash syndrome; 11p partial monosomy syndrome; Frasier syndrome. Last evaluated: 2022-05-12. Review status: criteria provided, single submitter. Criteria: Invitae Variant Classification Sherloc (09022015). Collection method: clinical testing. Allele origin: germline.
Comment: This sequence change replaces proline, which is neutral and non-polar, with serine, which is neutral and polar, at codon 151 of the WT1 protein (p.Pro151Ser). This variant is not present in population databases (gnomAD no frequency). This variant has not been reported in the literature in individuals affected with WT1-related conditions. ClinVar contains an entry for this variant (Variation ID: 840579). Algorithms developed to predict the effect of missense changes on protein structure and function (SIFT, PolyPhen-2, Align-GVGD) all suggest that this variant is likely to be disruptive. In summary, the available evidence is currently insufficient to determine the role of this variant in disease. Therefore, it has been classified as a Variant of Uncertain Significance.

NM_024426.6(WT1):c.466C>T (p.Pro156Ser)

Genes: WT1 (WT1 transcription factor; minus strand), LOC107982234 (WT1/WT1-AS bi-directional promoter region; plus strand). Cytogenetic location: 11p13.
Variant type: single nucleotide variant.
Coding change: c.466C>T on transcript NM_024426.6 (MANE Select); coding-DNA position 466, C replaced by T.
Protein change: p.Pro156Ser; replaces proline 156 with serine.
Molecular consequence: missense variant. On other transcripts: non-coding transcript variant (1).
Genome position (GRCh38, 1-based): chr11:32,434,895, G>A on the plus strand (C>T on the coding strand, the complement: WT1 is on the minus strand). VCF-style: chr11-32434895-G-A. GRCh37 (hg19) VCF-style: chr11-32456441-G-A.
Other names: c.466C>T, p.Pro156Ser (NM_000378.6, NM_024424.5); short protein forms P156S.
Identifiers: ClinVar variation 840579 (VCV000840579.10), dbSNP rs1353428791, ClinGen allele CA379964993.